The following is an entry in ClinVar:

NM_001267550.2(TTN):c.88476C>G (p.Thr29492=)

Genes: TTN (titin; minus strand), TTN-AS1 (TTN antisense RNA 1; plus strand). Cytogenetic location: 2q31.2.
Variant type: single nucleotide variant.
Coding change: c.88476C>G on transcript NM_001267550.2 (MANE Select); coding-DNA position 88476, C replaced by G.
Protein change: p.Thr29492=; no amino-acid change (threonine 29492 retained).
Molecular consequence: synonymous variant.
Genome position (GRCh38, 1-based): chr2:178,554,983, G>C on the plus strand (C>G on the coding strand, the complement: TTN is on the minus strand). VCF-style: chr2-178554983-G-C. GRCh37 (hg19) VCF-style: chr2-179419710-G-C.
Other names: p.T27851T:ACC>ACG; c.83553C>G, p.Thr27851= (NM_001256850.1); c.61281C>G, p.Thr20427= (NM_003319.4); c.80772C>G, p.Thr26924= (NM_133378.4); c.61656C>G, p.Thr20552= (NM_133432.3); c.61857C>G, p.Thr20619= (NM_133437.4).
Identifiers: ClinVar variation 47480 (VCV000047480.43), dbSNP rs190406444, ClinGen allele CA283995.
Genomic context (GRCh38, chr2:178,554,983, plus strand): 5'-TTCATAGCATCCACTATTAAGGCGATCGGCATCTTTGATGAGTATAGATGCGAGGTCCGT[G>C]GTATTTTCAACACACACCAGTGCATTGGTTTGTAATTCTTTATCATCTTTATACCACTCA-3'
Protein context (NP_001254479.2, residues 29482-29502): QTNALVCVEN[Thr29492=]TDLASILIKD

ClinVar aggregate classification (germline): Benign/Likely benign. Review status: criteria provided, multiple submitters, no conflicts (2 of 4 stars). 16 submissions from 13 submitters: Benign (10); Likely benign (6). Last evaluated 2026-02-01.

Conditions:
Cardiovascular phenotype. Identifiers: MedGen CN230736.
Dilated cardiomyopathy 1G (CMD1G). Identifiers: Orphanet 154, MedGen C1858763, MONDO:0011400, OMIM 604145.
Autosomal recessive limb-girdle muscular dystrophy type 2J (LGMDR10). Also called: MUSCULAR DYSTROPHY, LIMB-GIRDLE, AUTOSOMAL RECESSIVE 10; Limb-girdle muscular dystrophy, type 2J. Identifiers: Orphanet 140922, MedGen C1837342, MONDO:0012127, OMIM 608807.
Cardiomyopathy (CMYO). Also called: Cardiomyopathies. Identifiers: Orphanet 167848, MedGen C0878544, MONDO:0004994, HP:0001638. Inheritance: Various modes of inheritance.
Early-onset myopathy with fatal cardiomyopathy (CMYO5). Also called: CONGENITAL MYOPATHY 5 WITH CARDIOMYOPATHY; Salih Myopathy. Identifiers: Orphanet 289377, MedGen C2673677, MONDO:0012714, OMIM 611705. Disease mechanism: loss of function.
Myopathy, myofibrillar, 9, with early respiratory failure (MFM9). Also called: Myopathy, distal, with early respiratory failure, autosomal dominant; Hereditary myopathy with early respiratory failure; MYOPATHY, PROXIMAL, WITH EARLY RESPIRATORY MUSCLE INVOLVEMENT; EDSTROM MYOPATHY. Identifiers: Orphanet 178464, Orphanet 34521, MedGen C1863599, MONDO:0011362, OMIM 603689.
Tibial muscular dystrophy (TMD). Also called: Udd Distal Myopathy – Tibial Muscular Dystrophy; Tibial muscular dystrophy, tardive; UDD MYOPATHY. Identifiers: Orphanet 609, MedGen C1838244, MONDO:0010870, OMIM 600334.

Allele frequency attached by ClinVar (database versions not stated): ExAC 0.00027; ESP Exome Variant Server 0.00041; 1000 Genomes Project 0.00100; gnomAD 0.00076 and 0.00079; TOPMed 0.00078; 1000 Genomes Project 30x 0.00094; gnomAD exomes 0.00021.
gnomAD v4.1: 225 of 1,613,570 alleles (0.014%); highest among the groups gnomAD compares: African/African-American, 0.27%; 1 homozygote.

Submissions (16):

Labcorp Genetics (formerly Invitae), Labcorp
Classification: Benign for Dilated cardiomyopathy 1G; Autosomal recessive limb-girdle muscular dystrophy type 2J. Last evaluated: 2026-02-01. Review status: criteria provided, single submitter. Criteria: Invitae Variant Classification Sherloc (09022015). Collection method: clinical testing. Allele origin: germline.

CeGaT Center for Human Genetics Tuebingen
Classification: Likely benign. Last evaluated: 2025-09-01. Review status: criteria provided, single submitter. Criteria: CeGaT Center For Human Genetics Tuebingen Variant Classification Criteria Version 2. Collection method: clinical testing. Allele origin: germline. Affected: yes. Observed: 1 variant allele.
Comment: TTN: BP4, BP7

Molecular Diagnostic Laboratory for Inherited Cardiovascular Disease, Montreal Heart Institute
Classification: Benign. Last evaluated: 2025-04-09. Review status: criteria provided, single submitter. Criteria: ACMG Guidelines, 2015. Collection method: clinical testing. Allele origin: germline. Affected: no.

Blueprint Genetics
Classification: Likely benign. Last evaluated: 2024-09-11. Review status: criteria provided, single submitter. Criteria: ACMG Guidelines, 2015. Collection method: clinical testing. Allele origin: germline.

ARUP Laboratories, Molecular Genetics and Genomics, ARUP Laboratories
Classification: Likely benign. Last evaluated: 2024-05-15. Review status: criteria provided, single submitter. Criteria: ARUP Molecular Germline Variant Investigation Process 2024. Collection method: clinical testing. Allele origin: germline.

CHEO Genetics Diagnostic Laboratory, Children's Hospital of Eastern Ontario
Classification: Benign for Cardiomyopathy. Last evaluated: 2023-05-16. Review status: criteria provided, single submitter. Criteria: ACMG Guidelines, 2015. Collection method: clinical testing. Allele origin: germline.

Women's Health and Genetics/Laboratory Corporation of America, LabCorp
Classification: Likely benign. Last evaluated: 2022-06-16. Review status: criteria provided, single submitter. Criteria: LabCorp Variant Classification Summary - May 2015. Collection method: clinical testing. Allele origin: germline.

Genome-Nilou Lab
Classification: Benign for Autosomal recessive limb-girdle muscular dystrophy type 2J. Last evaluated: 2021-09-10. Review status: criteria provided, single submitter. Criteria: ACMG Guidelines, 2015. Collection method: clinical testing. Allele origin: germline. Affected: no.

Genome-Nilou Lab
Classification: Benign for Myopathy, myofibrillar, 9, with early respiratory failure. Last evaluated: 2021-09-10. Review status: criteria provided, single submitter. Criteria: ACMG Guidelines, 2015. Collection method: clinical testing. Allele origin: germline. Affected: no.

Genome-Nilou Lab
Classification: Benign for Early-onset myopathy with fatal cardiomyopathy. Last evaluated: 2021-09-10. Review status: criteria provided, single submitter. Criteria: ACMG Guidelines, 2015. Collection method: clinical testing. Allele origin: germline. Affected: no.

Genome-Nilou Lab
Classification: Benign for Tibial muscular dystrophy. Last evaluated: 2021-09-10. Review status: criteria provided, single submitter. Criteria: ACMG Guidelines, 2015. Collection method: clinical testing. Allele origin: germline. Affected: no.

Ambry Genetics
Classification: Likely benign for Cardiovascular phenotype. Last evaluated: 2019-05-15. Review status: criteria provided, single submitter. Criteria: Ambry Variant Classification Scheme 2023. Collection method: clinical testing. Allele origin: germline.

Athena Diagnostics
Classification: Benign. Last evaluated: 2018-03-19. Review status: criteria provided, single submitter. Criteria: Athena Diagnostics Criteria. Collection method: clinical testing. Allele origin: germline.

Eurofins Ntd Llc (ga)
Classification: Likely benign. Last evaluated: 2017-01-06. Review status: criteria provided, single submitter. Criteria: EGL Classification Definitions 2015. Collection method: clinical testing. Allele origin: germline. Observed: 6 variant alleles, 6 heterozygotes.

Laboratory for Molecular Medicine, Mass General Brigham Personalized Medicine
Classification: Benign. Last evaluated: 2015-04-28. Review status: criteria provided, single submitter. Criteria: LMM Criteria. Collection method: clinical testing. Allele origin: germline. Observed: 3 variant alleles.
Comment: p.Thr26924Thr in exon 280 of TTN: This variant is not expected to have clinical significance because it has been identified in 0.3% (30/9788) of African chromos omes by the Exome Aggregation Consortium (ExAC; dbSNP rs190406444).

GeneDx
Classification: Benign. Last evaluated: 2014-09-15. Review status: criteria provided, single submitter. Criteria: GeneDx Variant Classification (06012015). Collection method: clinical testing. Allele origin: germline. Affected: yes.
Comment: This variant is considered likely benign or benign based on one or more of the following criteria: it is a conservative change, it occurs at a poorly conserved position in the protein, it is predicted to be benign by multiple in silico algorithms, and/or has population frequency not consistent with disease.